The following is an entry in ClinVar:

ClinVar aggregate classification (germline): Uncertain significance (1 of 4 stars; one submission).

Conditions:
Inborn genetic diseases. Identifiers: MedGen C0950123, MeSH D030342.

gnomAD v4.1: 1 of 1,613,806 alleles (0.000062%); no homozygotes.

Submission:

Ambry Genetics
Classification: Uncertain significance for Inborn genetic diseases. Last evaluated: 2024-05-15. Review status: criteria provided, single submitter. Criteria: Ambry Variant Classification Scheme 2023. Collection method: clinical testing. Allele origin: germline.
Comment: The p.D286A variant (also known as c.857A>C), located in coding exon 4 of the ATR gene, results from an A to C substitution at nucleotide position 857. The aspartic acid at codon 286 is replaced by alanine, an amino acid with dissimilar properties. This amino acid position is conserved. In addition, this alteration is predicted to be tolerated by in silico analysis. Based on the available evidence, the clinical significance of this variant remains unclear.

NM_001184.4(ATR):c.857A>C (p.Asp286Ala)

Gene: ATR (ATR serine/threonine kinase; minus strand). Cytogenetic location: 3q23.
Variant type: single nucleotide variant.
Coding change: c.857A>C on transcript NM_001184.4 (MANE Select); coding-DNA position 857, A replaced by C.
Protein change: p.Asp286Ala; replaces aspartic acid 286 with alanine.
Molecular consequence: missense variant.
Genome position (GRCh38, 1-based): chr3:142,562,545, T>G on the plus strand (A>C on the coding strand, the complement: ATR is on the minus strand). VCF-style: chr3-142562545-T-G. GRCh37 (hg19) VCF-style: chr3-142281387-T-G.
Other names: c.857A>C, p.Asp286Ala (NM_001354579.2); short protein forms D286A.
Identifiers: ClinVar variation 3331924 (VCV003331924.1).